The following is an entry in ClinVar:

NM_023110.3(FGFR1):c.752C>T (p.Ser251Phe)

Gene: FGFR1 (fibroblast growth factor receptor 1; minus strand). Cytogenetic location: 8p11.23.
Variant type: single nucleotide variant.
Coding change: c.752C>T on transcript NM_023110.3 (MANE Select); coding-DNA position 752, C replaced by T.
Protein change: p.Ser251Phe; replaces serine 251 with phenylalanine.
Molecular consequence: missense variant.
Genome position (GRCh38, 1-based): chr8:38,424,693, G>A on the plus strand (C>T on the coding strand, the complement: FGFR1 is on the minus strand). VCF-style: chr8-38424693-G-A. GRCh37 (hg19) VCF-style: chr8-38282211-G-A.
Other names: c.752C>T, p.Ser251Phe (NM_001174063.2); c.728C>T, p.Ser243Phe (NM_001174064.2); c.746C>T, p.Ser249Phe (NM_001174065.2, NM_001354367.2, NM_001354369.2 and 1 more transcripts); c.485C>T, p.Ser162Phe (NM_001174066.2, NM_023105.3); c.845C>T, p.Ser282Phe (NM_001174067.2); c.479C>T, p.Ser160Phe (NM_001354368.2, NM_001354370.2, NM_023106.3); short protein forms S251F, S160F, S162F, S249F, S243F, S282F.
Identifiers: ClinVar variation 418204 (VCV000418204.3), dbSNP rs1064793120, ClinGen allele CA16618633.

ClinVar aggregate classification (germline): Pathogenic (1 of 4 stars; one submission).

Submission:

GeneDx
Classification: Pathogenic. Last evaluated: 2023-06-19. Review status: criteria provided, single submitter. Criteria: GeneDx Variant Classification Process June 2021. Collection method: clinical testing. Allele origin: germline. Affected: yes.
Comment: Not observed at significant frequency in large population cohorts (gnomAD); In silico analysis supports that this missense variant has a deleterious effect on protein structure/function; This variant is associated with the following publications: (PMID: 24901346)